The following is an entry in ClinVar:

NM_000057.4(BLM):c.2762G>C (p.Gly921Ala)

Gene: BLM (BLM RecQ like helicase; plus strand). Cytogenetic location: 15q26.1.
Variant type: single nucleotide variant.
Coding change: c.2762G>C on transcript NM_000057.4 (MANE Select); coding-DNA position 2762, G replaced by C.
Protein change: p.Gly921Ala; replaces glycine 921 with alanine.
Molecular consequence: missense variant.
Genome position (GRCh38, 1-based): chr15:90,785,020, G>C. VCF-style: chr15-90785020-G-C. GRCh37 (hg19) VCF-style: chr15-91328250-G-C.
Other names: c.2762G>C, p.Gly921Ala (NM_001287246.2, NM_001287247.2); c.1637G>C, p.Gly546Ala (NM_001287248.2); short protein forms G546A, G921A.
Identifiers: ClinVar variation 1795709 (VCV001795709.2), dbSNP rs2151179848, ClinGen allele CA393846056.

ClinVar aggregate classification (germline): Uncertain significance (1 of 4 stars; one submission).

Conditions:
Hereditary cancer-predisposing syndrome. Also called: Tumor predisposition; Hereditary Cancer Syndrome; Neoplastic Syndromes, Hereditary; Hereditary neoplastic syndrome. Identifiers: Orphanet 140162, MedGen C0027672, MeSH D009386, MONDO:0015356.

Submission:

Ambry Genetics
Classification: Uncertain significance for Hereditary cancer-predisposing syndrome. Last evaluated: 2022-08-22. Review status: criteria provided, single submitter. Criteria: Ambry Variant Classification Scheme 2023. Collection method: clinical testing. Allele origin: germline.
Comment: The p.G921A variant (also known as c.2762G>C), located in coding exon 13 of the BLM gene, results from a G to C substitution at nucleotide position 2762. The glycine at codon 921 is replaced by alanine, an amino acid with similar properties. This amino acid position is conserved. In addition, this alteration is predicted to be deleterious by in silico analysis. Since supporting evidence is limited at this time, the clinical significance of this alteration remains unclear.